The following is an entry in ClinVar:

ClinVar aggregate classification (germline): Conflicting classifications of pathogenicity. Review status: criteria provided, conflicting classifications (1 of 4 stars). 3 submissions from 3 submitters: Likely pathogenic (1); Uncertain significance (2). Last evaluated 2023-08-10.

Conditions:
Alexander disease (ALXDRD). Also called: Alexander's disease. Identifiers: Orphanet 58, MedGen C0270726, MONDO:0008752, OMIM 203450.

Submissions (3):

Labcorp Genetics (formerly Invitae), Labcorp
Classification: Uncertain significance. Last evaluated: 2023-08-10. Review status: criteria provided, single submitter. Criteria: Invitae Variant Classification Sherloc (09022015). Collection method: clinical testing. Allele origin: germline.
Comment: In summary, the available evidence is currently insufficient to determine the role of this variant in disease. Therefore, it has been classified as a Variant of Uncertain Significance. Algorithms developed to predict the effect of sequence changes on RNA splicing suggest that this variant may disrupt the consensus splice site. ClinVar contains an entry for this variant (Variation ID: 805942). This variant has not been reported in the literature in individuals affected with GFAP-related conditions. This variant is not present in population databases (gnomAD no frequency). This sequence change affects codon 430 of the GFAP mRNA. It is a 'silent' change, meaning that it does not change the encoded amino acid sequence of the GFAP protein. The GFAP gene has multiple clinically relevant transcripts. This variant occurs in alternate transcript NM_001131019.2, and corresponds to NM_002055.4:c.1171+473C>A in the primary transcript.

GeneDx
Classification: Uncertain significance. Last evaluated: 2023-05-02. Review status: criteria provided, single submitter. Criteria: GeneDx Variant Classification Process June 2021. Collection method: clinical testing. Allele origin: germline. Affected: yes.
Comment: Reported using an alternate transcript of the gene; In vitro functional analysis supports a deleterious effect on splicing (Helman et al., 2020); Not observed at significant frequency in large population cohorts (gnomAD); This variant is associated with the following publications: (PMID: 32811163, 36601294, 32126152, 34233935)

Simons Lab, The University of Queensland
Classification: Likely pathogenic for Alexander disease. Last evaluated: 2020-01-17. Review status: criteria provided, single submitter. Criteria: ACMG Guidelines, 2015. Collection method: clinical testing. Allele origin: paternal, unknown. Inheritance: Autosomal dominant inheritance. Affected: yes. Observed: 2 heterozygotes.
Comment: NM_001363846.1:c.1290C>A variant in GFAP has been found in a single family with clinical features of Type II Alexander Disease. This variant is absent from population allele frequency databases (PM2), is found in a mutational hot spot (PM1), and has been shown to affect pre-mRNA splicing of GFAP, resulting in inclusion of a rare GFAP-isoform, GFAP-lambda (PS3 [Helman et al. 2019. doi: 10.1101/842229]). Per the ACMG criteria, this variant would be classified as likely pathogenic.

NM_002055.5(GFAP):c.1171+473C>A

Gene: GFAP (glial fibrillary acidic protein; minus strand). Cytogenetic location: 17q21.31.
Variant type: single nucleotide variant.
Coding change: c.1171+473C>A on transcript NM_002055.5 (MANE Select); 473 bases into the intron after coding-DNA position 1171, C replaced by A.
Molecular consequence: intron variant. On other transcripts: synonymous variant (2), 3 prime UTR variant (1).
Genome position (GRCh38, 1-based): chr17:44,910,142, G>T on the plus strand (C>A on the coding strand, the complement: GFAP is on the minus strand). VCF-style: chr17-44910142-G-T. GRCh37 (hg19) VCF-style: chr17-42987510-G-T.
Other names: c.1290C>A, p.Arg430= (NM_001131019.3, NM_001363846.2); c.*327C>A (NM_001242376.3).
Identifiers: ClinVar variation 805942 (VCV000805942.7), dbSNP rs775524073, ClinGen allele CA645576197.